The following is an entry in ClinVar:

NM_017617.5(NOTCH1):c.1873T>C (p.Tyr625His)

Gene: NOTCH1 (notch receptor 1; minus strand). Cytogenetic location: 9q34.3.
Variant type: single nucleotide variant.
Coding change: c.1873T>C on transcript NM_017617.5 (MANE Select); coding-DNA position 1873, T replaced by C.
Protein change: p.Tyr625His; replaces tyrosine 625 with histidine.
Molecular consequence: missense variant.
Genome position (GRCh38, 1-based): chr9:136,515,513, A>G on the plus strand (T>C on the coding strand, the complement: NOTCH1 is on the minus strand). VCF-style: chr9-136515513-A-G. GRCh37 (hg19) VCF-style: chr9-139409965-A-G.
Other names: short protein forms Y625H.
Identifiers: ClinVar variation 2580749 (VCV002580749.1), dbSNP rs2133363386, ClinGen allele CA375559595.
Genomic context (GRCh38, chr9:136,515,513, plus strand): 5'-CCCCCGCCGGCCACCCGCCTGGCCGGCCACCTGTGGTCCCCTTCAGGCAGAAGCAGAGGT[A>G]GGCGTTGTCGCGGTCCTGGCAGGTGCCCCCGTGGCGGCAGGGCTGGCTGGAGCACTCGTT-3'
Protein context (NP_060087.3, residues 615-635): GGTCQDRDNA[Tyr625His]LCFCLKGTTG

ClinVar aggregate classification (germline): Uncertain significance (1 of 4 stars; one submission).

Submission:

GeneDx
Classification: Uncertain significance. Last evaluated: 2023-03-24. Review status: criteria provided, single submitter. Criteria: GeneDx Variant Classification Process June 2021. Collection method: clinical testing. Allele origin: germline. Affected: yes.
Comment: Has not been previously published as pathogenic or benign to our knowledge; Not observed at significant frequency in large population cohorts (gnomAD); In silico analysis supports that this missense variant has a deleterious effect on protein structure/function